The following is an entry in ClinVar:

NM_152383.5(DIS3L2):c.2485C>T (p.Pro829Ser)

Gene: DIS3L2 (DIS3 like 3'-5' exoribonuclease 2; plus strand). Cytogenetic location: 2q37.1.
Variant type: single nucleotide variant.
Coding change: c.2485C>T on transcript NM_152383.5 (MANE Select); coding-DNA position 2485, C replaced by T.
Protein change: p.Pro829Ser; replaces proline 829 with serine.
Molecular consequence: missense variant. On other transcripts: non-coding transcript variant (2), intron variant (1).
Genome position (GRCh38, 1-based): chr2:232,335,863, C>T. VCF-style: chr2-232335863-C-T. GRCh37 (hg19) VCF-style: chr2-233200573-C-T.
Other names: c.1582-7482C>T (NM_001257281.2); short protein forms P829S.
Identifiers: ClinVar variation 531926 (VCV000531926.8), dbSNP rs1275058351, ClinGen allele CA350978337.
Genomic context (GRCh38, chr2:232,335,863, plus strand): 5'-AAGGTGGGCAAGAAGCCGGAACTCACGCTGGTCTGGGAGCCTGAGGACATGGAGCAGGAG[C>T]CAGCACAGCAGGTCAGAACCCCTCTGTGTCCCAGCCCCCTAAGTCCTGATGACCCCTCTC-3'
Protein context (NP_689596.4, residues 819-839): VWEPEDMEQE[Pro829Ser]AQQVITIFSL

ClinVar aggregate classification (germline): Uncertain significance (1 of 4 stars; one submission).

Conditions:
Perlman syndrome (PRLMNS). Identifiers: Orphanet 2849, MedGen C0796113, MONDO:0009965, OMIM 267000.

Submission:

Labcorp Genetics (formerly Invitae), Labcorp
Classification: Uncertain significance for Perlman syndrome. Last evaluated: 2018-04-06. Review status: criteria provided, single submitter. Criteria: Invitae Variant Classification Sherloc (09022015). Collection method: clinical testing. Allele origin: germline.
Comment: This sequence change replaces proline with serine at codon 829 of the DIS3L2 protein (p.Pro829Ser). The proline residue is moderately conserved and there is a moderate physicochemical difference between proline and serine. This variant is not present in population databases (ExAC no frequency). This variant has not been reported in the literature in individuals with DIS3L2-related disease. Algorithms developed to predict the effect of missense changes on protein structure and function (SIFT, PolyPhen-2, Align-GVGD) all suggest that this variant is likely to be tolerated, but these predictions have not been confirmed by published functional studies and their clinical significance is uncertain. In summary, the available evidence is currently insufficient to determine the role of this variant in disease. Therefore, it has been classified as a Variant of Uncertain Significance.